The following is an entry in ClinVar:

NM_005219.5(DIAPH1):c.3818A>C (p.Ter1273Ser)

Gene: DIAPH1 (diaphanous related formin 1; minus strand). Cytogenetic location: 5q31.3.
Variant type: single nucleotide variant.
Coding change: c.3818A>C on transcript NM_005219.5 (MANE Select); coding-DNA position 3818, A replaced by C.
Protein change: p.Ter1273Ser.
Molecular consequence: stop lost. On other transcripts: 3 prime UTR variant (1).
Genome position (GRCh38, 1-based): chr5:141,516,852, T>G on the plus strand (A>C on the coding strand, the complement: DIAPH1 is on the minus strand). VCF-style: chr5-141516852-T-G. GRCh37 (hg19) VCF-style: chr5-140896419-T-G.
Other names: c.3791A>C, p.Ter1264Ser (NM_001079812.3); c.*118A>C (NM_001314007.2).
Identifiers: ClinVar variation 2197126 (VCV002197126.4), dbSNP rs753432442, ClinGen allele CA361571626.

ClinVar aggregate classification (germline): Uncertain significance (1 of 4 stars; one submission).

Conditions:
Autosomal dominant nonsyndromic hearing loss 1. Also called: DEAFNESS, AUTOSOMAL DOMINANT 1, WITH OR WITHOUT THROMBOCYTOPENIA; KONIGSMARK SYNDROME. Identifiers: Orphanet 90635, MedGen C1852282, MONDO:0007424, OMIM 124900.
Progressive microcephaly-seizures-cortical blindness-developmental delay syndrome. Also called: Seizures, cortical blindness, and microcephaly syndrome. Identifiers: Orphanet 477814, MedGen C5567650, MONDO:0014714, OMIM 616632.

Submission:

Labcorp Genetics (formerly Invitae), Labcorp
Classification: Uncertain significance for Progressive microcephaly-seizures-cortical blindness-developmental delay syndrome; Autosomal dominant nonsyndromic hearing loss 1. Last evaluated: 2022-03-22. Review status: criteria provided, single submitter. Criteria: Invitae Variant Classification Sherloc (09022015). Collection method: clinical testing. Allele origin: germline.
Comment: This sequence change disrupts the translational stop signal of the DIAPH1 mRNA. It is expected to extend the length of the DIAPH1 protein by 39 additional amino acid residues. In summary, the available evidence is currently insufficient to determine the role of this variant in disease. Therefore, it has been classified as a Variant of Uncertain Significance. Experimental studies and prediction algorithms are not available or were not evaluated, and the functional significance of this variant is currently unknown. This variant has not been reported in the literature in individuals affected with DIAPH1-related conditions. This variant is not present in population databases (gnomAD no frequency).